The following is an entry in ClinVar:

NM_032043.3(BRIP1):c.2321A>T (p.Asp774Val)

Gene: BRIP1 (BRCA1 interacting DNA helicase 1; minus strand). Cytogenetic location: 17q23.2.
Variant type: single nucleotide variant.
Coding change: c.2321A>T on transcript NM_032043.3 (MANE Select); coding-DNA position 2321, A replaced by T.
Protein change: p.Asp774Val; replaces aspartic acid 774 with valine.
Molecular consequence: missense variant.
Genome position (GRCh38, 1-based): chr17:61,743,071, T>A on the plus strand (A>T on the coding strand, the complement: BRIP1 is on the minus strand). VCF-style: chr17-61743071-T-A. GRCh37 (hg19) VCF-style: chr17-59820432-T-A.
Other names: short protein forms D774V.
Identifiers: ClinVar variation 2944197 (VCV002944197.1), dbSNP rs992780498, ClinGen allele CA400482636.
Genomic context (GRCh38, chr17:61,743,071, plus strand): 5'-ACCTGTAGATCTTTCACATTTGGAAAAGGAATTCCTATTGTTATGACAGCACGGGCATTG[T>A]CATCTGAGAAATCCAGACCCTCACTCACTTTACCACGACAAACTGCTACCAGGAGAGCTC-3'
Protein context (NP_114432.2, residues 764-784): KVSEGLDFSD[Asp774Val]NARAVITIGI

ClinVar aggregate classification (germline): Uncertain significance (1 of 4 stars; one submission).

Conditions:
Fanconi anemia complementation group J. Also called: BRIP1-Related Fanconi Anemia. Identifiers: Orphanet 84, MedGen C1836860, MONDO:0012187, OMIM 609054.
Familial cancer of breast. Also called: BREAST CANCER, FAMILIAL; Hereditary breast cancer; hereditary breast carcinoma. Identifiers: Orphanet 227535, MedGen C0346153, MONDO:0016419, OMIM 114480. Disease mechanism: loss of function.

gnomAD v4.1: 1 of 1,613,978 alleles (0.000062%); highest among the groups gnomAD compares: Non-Finnish European, 0.000085%; no homozygotes.

Submission:

Labcorp Genetics (formerly Invitae), Labcorp
Classification: Uncertain significance for Familial cancer of breast; Fanconi anemia complementation group J. Last evaluated: 2023-02-13. Review status: criteria provided, single submitter. Criteria: Invitae Variant Classification Sherloc (09022015). Collection method: clinical testing. Allele origin: germline.
Comment: This sequence change replaces aspartic acid, which is acidic and polar, with valine, which is neutral and non-polar, at codon 774 of the BRIP1 protein (p.Asp774Val). This variant is not present in population databases (gnomAD no frequency). This variant has not been reported in the literature in individuals affected with BRIP1-related conditions. Advanced modeling of protein sequence and biophysical properties (such as structural, functional, and spatial information, amino acid conservation, physicochemical variation, residue mobility, and thermodynamic stability) performed at Invitae indicates that this missense variant is not expected to disrupt BRIP1 protein function. In summary, the available evidence is currently insufficient to determine the role of this variant in disease. Therefore, it has been classified as a Variant of Uncertain Significance.